The following is an entry in ClinVar:

NM_015378.4(VPS13D):c.1874G>A (p.Arg625Gln)

Gene: VPS13D (vacuolar protein sorting 13 homolog D; plus strand). Cytogenetic location: 1p36.22.
Variant type: single nucleotide variant.
Coding change: c.1874G>A on transcript NM_015378.4 (MANE Select); coding-DNA position 1874, G replaced by A.
Protein change: p.Arg625Gln; replaces arginine 625 with glutamine.
Molecular consequence: missense variant.
Genome position (GRCh38, 1-based): chr1:12,268,778, G>A. VCF-style: chr1-12268778-G-A. GRCh37 (hg19) VCF-style: chr1-12328835-G-A.
Other names: c.1874G>A, p.Arg625Gln (NM_018156.4); short protein forms R625Q.
Identifiers: ClinVar variation 3604095 (VCV003604095.3).

ClinVar aggregate classification (germline): Uncertain significance. Review status: criteria provided, multiple submitters, no conflicts (2 of 4 stars). 2 submissions from 2 submitters: Uncertain significance (2). Last evaluated 2024-03-15.

gnomAD v4.1: 13 of 1,614,014 alleles (0.00081%); highest among the groups gnomAD compares: Non-Finnish European, 0.00076%; no homozygotes.

Submissions (2):

Labcorp Genetics (formerly Invitae), Labcorp
Classification: Uncertain significance. Last evaluated: 2024-03-15. Review status: criteria provided, single submitter. Criteria: Invitae Variant Classification Sherloc (09022015). Collection method: clinical testing. Allele origin: germline.
Comment: This sequence change replaces arginine, which is basic and polar, with glutamine, which is neutral and polar, at codon 625 of the VPS13D protein (p.Arg625Gln). This variant is present in population databases (rs771951344, gnomAD 0.004%). This variant has not been reported in the literature in individuals affected with VPS13D-related conditions. Advanced modeling of protein sequence and biophysical properties (such as structural, functional, and spatial information, amino acid conservation, physicochemical variation, residue mobility, and thermodynamic stability) performed at Invitae indicates that this missense variant is expected to disrupt VPS13D protein function with a positive predictive value of 80%. In summary, the available evidence is currently insufficient to determine the role of this variant in disease. Therefore, it has been classified as a Variant of Uncertain Significance.

Blueprint Genetics
Classification: Uncertain significance. Last evaluated: 2023-09-29. Review status: criteria provided, single submitter. Criteria: ACMG Guidelines, 2015. Collection method: clinical testing. Allele origin: germline.